The following is an entry in ClinVar:

ClinVar aggregate classification (germline): Uncertain significance. Review status: criteria provided, single submitter (1 of 4 stars). 2 submissions from 2 submitters: Uncertain significance (1). 1 of the submissions does not count toward it. Last evaluated 2024-07-14.

Conditions:
Inborn genetic diseases. Identifiers: MedGen C0950123, MeSH D030342.

Allele frequency attached by ClinVar (database versions not stated): gnomAD exomes 0.00002 and 0.00007; ExAC 0.00013; 1000 Genomes Project 30x 0.00016; 1000 Genomes Project 0.00020; gnomAD 0.00037 and 0.00041; ESP Exome Variant Server 0.00038; TOPMed 0.00054.
gnomAD v4.1: 85 of 1,614,168 alleles (0.0053%); highest among the groups gnomAD compares: African/African-American, 0.11%; no homozygotes.

Submissions (2):

Ambry Genetics
Classification: Uncertain significance for Inborn genetic diseases. Last evaluated: 2024-07-14. Review status: criteria provided, single submitter. Criteria: Ambry Variant Classification Scheme 2023. Collection method: clinical testing. Allele origin: germline.

Department of Pathology and Laboratory Medicine, Sinai Health System
Classification: Likely benign. Review status: no assertion criteria provided. Collection method: clinical testing. Allele origin: unknown. Affected: yes. Study: The Canadian Open Genetics Repository (COGR). Not counted in ClinVar's aggregate classification.
Comment: The MYO9A p.Arg1109Lys variant was not identified in the literature nor was it identified in ClinVar. The variant was identified in dbSNP (ID: rs137861492) and LOVD 3.0. The variant was identified in control databases in 28 of 282638 chromosomes at a frequency of 0.00009907 (Genome Aggregation Database March 6, 2019, v2.1.1). The variant was observed in the following populations: African in 27 of 24972 chromosomes (freq: 0.001081) and Latino in 1 of 35390 chromosomes (freq: 0.000028), but was not observed in the Ashkenazi Jewish, East Asian, European (Finnish), European (non-Finnish), Other, or South Asian populations. The p.Arg1109 residue is not conserved in mammals and four out of five computational analyses (PolyPhen-2, SIFT, AlignGVGD, BLOSUM, MutationTaster) do not suggest a high likelihood of impact to the protein; however, this information is not predictive enough to rule out pathogenicity. The variant occurs outside of the splicing consensus sequence and in silico or computational prediction software programs (SpliceSiteFinder, MaxEntScan, NNSPLICE, GeneSplicer) do not predict a difference in splicing. In summary, based on the above information the clinical significance of this variant cannot be determined with certainty at this time although we would lean towards a more benign role for this variant. This variant is classified as likely benign.

NM_006901.4(MYO9A):c.3326G>A (p.Arg1109Lys)

Gene: MYO9A (myosin IXA; minus strand). Cytogenetic location: 15q23.
Variant type: single nucleotide variant.
Coding change: c.3326G>A on transcript NM_006901.4 (MANE Select); coding-DNA position 3326, G replaced by A.
Protein change: p.Arg1109Lys; replaces arginine 1109 with lysine.
Molecular consequence: missense variant.
Genome position (GRCh38, 1-based): chr15:71,899,831, C>T on the plus strand (G>A on the coding strand, the complement: MYO9A is on the minus strand). VCF-style: chr15-71899831-C-T. GRCh37 (hg19) VCF-style: chr15-72192172-C-T.
Other names: c.3326G>A (NM_006901.2); short protein forms R1109K.
Identifiers: ClinVar variation 1050517 (VCV001050517.5), dbSNP rs137861492, ClinGen allele CA7641581.
Genomic context (GRCh38, chr15:71,899,831, plus strand): 5'-TAGGCTTTCCATCTTGCTTGTATGCAAATAGCAGCCATGTGCCTGCGCCTATAGTAATCT[C>T]TCCATTTCTGCTGGATAACGATGGCTGCAGCCCGTAACTCCAAGTACCGCTGCCTCTCTA-3'
Protein context (NP_008832.2, residues 1099-1119): AAAIVIQQKW[Arg1109Lys]DYYRRRHMAA